The following is an entry in ClinVar:

ClinVar aggregate classification (germline): Uncertain significance (1 of 4 stars; one submission).

Submission:

Labcorp Genetics (formerly Invitae), Labcorp
Classification: Uncertain significance. Last evaluated: 2023-12-04. Review status: criteria provided, single submitter. Criteria: Invitae Variant Classification Sherloc (09022015). Collection method: clinical testing. Allele origin: germline.
Comment: This sequence change replaces threonine, which is neutral and polar, with serine, which is neutral and polar, at codon 727 of the SLC4A1 protein (p.Thr727Ser). This variant is not present in population databases (gnomAD no frequency). This variant has not been reported in the literature in individuals affected with SLC4A1-related conditions. Advanced modeling of protein sequence and biophysical properties (such as structural, functional, and spatial information, amino acid conservation, physicochemical variation, residue mobility, and thermodynamic stability) performed at Invitae indicates that this missense variant is not expected to disrupt SLC4A1 protein function with a negative predictive value of 80%. In summary, the available evidence is currently insufficient to determine the role of this variant in disease. Therefore, it has been classified as a Variant of Uncertain Significance.

NM_000342.4(SLC4A1):c.2179A>T (p.Thr727Ser)

Gene: SLC4A1 (solute carrier family 4 member 1 (Diego blood group); minus strand). Cytogenetic location: 17q21.31.
Variant type: single nucleotide variant.
Coding change: c.2179A>T on transcript NM_000342.4 (MANE Select); coding-DNA position 2179, A replaced by T.
Protein change: p.Thr727Ser; replaces threonine 727 with serine.
Molecular consequence: missense variant.
Genome position (GRCh38, 1-based): chr17:44,253,250, T>A on the plus strand (A>T on the coding strand, the complement: SLC4A1 is on the minus strand). VCF-style: chr17-44253250-T-A. GRCh37 (hg19) VCF-style: chr17-42330618-T-A.
Other names: short protein forms T727S.
Identifiers: ClinVar variation 2700946 (VCV002700946.3), dbSNP rs2509960938, ClinGen allele CA399781646.